The following is an entry in ClinVar:

NM_000170.3(GLDC):c.2730G>C (p.Ser910=)

Gene: GLDC (glycine decarboxylase; minus strand). Cytogenetic location: 9p24.1.
Variant type: single nucleotide variant.
Coding change: c.2730G>C on transcript NM_000170.3 (MANE Select); coding-DNA position 2730, G replaced by C.
Protein change: p.Ser910=; no amino-acid change (serine 910 retained).
Molecular consequence: synonymous variant.
Genome position (GRCh38, 1-based): chr9:6,536,172, C>G on the plus strand (G>C on the coding strand, the complement: GLDC is on the minus strand). VCF-style: chr9-6536172-C-G. GRCh37 (hg19) VCF-style: chr9-6536172-C-G.
Identifiers: ClinVar variation 3341970 (VCV003341970.18).

ClinVar aggregate classification (germline): Likely benign. Review status: criteria provided, multiple submitters, no conflicts (2 of 4 stars). 2 submissions from 2 submitters: Likely benign (2). Last evaluated 2024-08-01.

Conditions:
Glycine encephalopathy. Also called: Nonketotic hyperglycinemia; Non-ketotic hyperglycinemia. Identifiers: Orphanet 407, MedGen C0751748, MONDO:0011612, HP:0008288.

gnomAD v4.1: 5 of 1,614,040 alleles (0.00031%); highest among the groups gnomAD compares: Non-Finnish European, 0.00042%; no homozygotes.

Submissions (2):

CeGaT Center for Human Genetics Tuebingen
Classification: Likely benign. Last evaluated: 2024-08-01. Review status: criteria provided, single submitter. Criteria: CeGaT Center For Human Genetics Tuebingen Variant Classification Criteria Version 2. Collection method: clinical testing. Allele origin: germline. Affected: yes. Observed: 1 variant allele.
Comment: GLDC: BP4, BP7

Labcorp Genetics (formerly Invitae), Labcorp
Classification: Likely benign for Glycine encephalopathy. Last evaluated: 2024-06-26. Review status: criteria provided, single submitter. Criteria: Invitae Variant Classification Sherloc (09022015). Collection method: clinical testing. Allele origin: germline.